The following is an entry in ClinVar:

ClinVar aggregate classification (germline): Uncertain significance (1 of 4 stars; one submission).

Conditions:
Fanconi anemia complementation group Q. Identifiers: Orphanet 84, MedGen C3808988, MONDO:0014108, OMIM 615272.
Xeroderma pigmentosum, group F (XPF). Also called: XERODERMA PIGMENTOSUM, COMPLEMENTATION GROUP F; ERCC4-Related Xeroderma Pigmentosum; XERODERMA PIGMENTOSUM VI; XP, GROUP F; XERODERMA PIGMENTOSUM, TYPE F; Xeroderma pigmentosum, type 6. Identifiers: MedGen C0268140, MONDO:0010215, OMIM 278760.
Cockayne syndrome. Identifiers: Orphanet 191, MedGen C0009207, MONDO:0016006.

Allele frequency attached by ClinVar (database versions not stated): gnomAD exomes below 0.00001.
gnomAD v4.1: 4 of 1,608,404 alleles (0.00025%); highest among the groups gnomAD compares: Non-Finnish European, 0.00034%; no homozygotes.

Submission:

Labcorp Genetics (formerly Invitae), Labcorp
Classification: Uncertain significance for Fanconi anemia complementation group Q; Xeroderma pigmentosum, group F; Cockayne syndrome. Last evaluated: 2021-08-23. Review status: criteria provided, single submitter. Criteria: Invitae Variant Classification Sherloc (09022015). Collection method: clinical testing. Allele origin: germline.
Comment: In summary, the available evidence is currently insufficient to determine the role of this variant in disease. Therefore, it has been classified as a Variant of Uncertain Significance. Algorithms developed to predict the effect of missense changes on protein structure and function (SIFT, PolyPhen-2, Align-GVGD) all suggest that this variant is likely to be tolerated, but these predictions have not been confirmed by published functional studies and their clinical significance is uncertain. This variant has not been reported in the literature in individuals with ERCC4-related conditions. This variant is not present in population databases (ExAC no frequency). This sequence change replaces glutamic acid with lysine at codon 372 of the ERCC4 protein (p.Glu372Lys). The glutamic acid residue is highly conserved and there is a small physicochemical difference between glutamic acid and lysine.

NM_005236.3(ERCC4):c.1114G>A (p.Glu372Lys)

Gene: ERCC4 (ERCC excision repair 4, endonuclease catalytic subunit; plus strand). Cytogenetic location: 16p13.12.
Variant type: single nucleotide variant.
Coding change: c.1114G>A on transcript NM_005236.3 (MANE Select); coding-DNA position 1114, G replaced by A.
Protein change: p.Glu372Lys; replaces glutamic acid 372 with lysine.
Molecular consequence: missense variant.
Genome position (GRCh38, 1-based): chr16:13,934,203, G>A. VCF-style: chr16-13934203-G-A. GRCh37 (hg19) VCF-style: chr16-14028060-G-A.
Other names: short protein forms E372K.
Identifiers: ClinVar variation 944393 (VCV000944393.8), dbSNP rs2032238318, ClinGen allele CA394807181.